The following is an entry in ClinVar:

NM_001429.4(EP300):c.6970C>A (p.His2324Asn)

Gene: EP300 (EP300 lysine acetyltransferase; plus strand). Cytogenetic location: 22q13.2.
Variant type: single nucleotide variant.
Coding change: c.6970C>A on transcript NM_001429.4 (MANE Select); coding-DNA position 6970, C replaced by A.
Protein change: p.His2324Asn; replaces histidine 2324 with asparagine.
Molecular consequence: missense variant.
Genome position (GRCh38, 1-based): chr22:41,178,681, C>A. VCF-style: chr22-41178681-C-A. GRCh37 (hg19) VCF-style: chr22-41574685-C-A.
Other names: c.6970C>A (NM_001429.3); c.6892C>A, p.His2298Asn (NM_001362843.2); short protein forms H2324N, H2298N.
Identifiers: ClinVar variation 2730886 (VCV002730886.4), dbSNP rs202094489, ClinGen allele CA10253996.
Genomic context (GRCh38, chr22:41,178,681, plus strand): 5'-TCCAATCAAGTGCGCTCTCCCCAGCCTGTCCCTTCTCCACGGCCACAGTCCCAGCCCCCC[C>A]ACTCCAGTCCTTCCCCAAGGATGCAGCCTCAGCCTTCTCCACACCACGTTTCCCCACAGA-3'
Protein context (NP_001420.2, residues 2314-2334): PSPRPQSQPP[His2324Asn]SSPSPRMQPQ

ClinVar aggregate classification (germline): Likely benign. Review status: criteria provided, single submitter (1 of 4 stars). 2 submissions from 2 submitters: Likely benign (1). 1 of the submissions does not count toward it. Last evaluated 2025-09-02.

Conditions:
Rubinstein-Taybi syndrome due to EP300 haploinsufficiency. Also called: RUBINSTEIN-TAYBI SYNDROME 2; EP300-Related Rubinstein-Taybi Syndrome. Identifiers: Orphanet 353284, Orphanet 783, MedGen C3150941, MONDO:0013364, OMIM 613684.
EP300-related disorder. Also called: EP300-related condition; EP300-related disorders.

gnomAD v4.1: 16 of 1,614,080 alleles (0.00099%); highest among the groups gnomAD compares: Admixed American, 0.005%; no homozygotes.

Submissions (2):

Labcorp Genetics (formerly Invitae), Labcorp
Classification: Likely benign for Rubinstein-Taybi syndrome due to EP300 haploinsufficiency. Last evaluated: 2025-09-02. Review status: criteria provided, single submitter. Criteria: Invitae Variant Classification Sherloc (09022015). Collection method: clinical testing. Allele origin: germline.

PreventionGenetics, part of Exact Sciences
Classification: Uncertain significance for EP300-related condition. Last evaluated: 2024-08-22. Review status: no assertion criteria provided. Collection method: clinical testing. Allele origin: germline. Not counted in ClinVar's aggregate classification.
Comment: The EP300 c.6970C>A variant is predicted to result in the amino acid substitution p.His2324Asn. To our knowledge, this variant has not been reported in the literature. This variant is reported in 0.0087% of alleles in individuals of Latino descent in gnomAD. At this time, the clinical significance of this variant is uncertain due to the absence of conclusive functional and genetic evidence.